The following is an entry in ClinVar:

NM_005236.3(ERCC4):c.2591G>A (p.Arg864His)

Gene: ERCC4 (ERCC excision repair 4, endonuclease catalytic subunit; plus strand). Cytogenetic location: 16p13.12.
Variant type: single nucleotide variant.
Coding change: c.2591G>A on transcript NM_005236.3 (MANE Select); coding-DNA position 2591, G replaced by A.
Protein change: p.Arg864His; replaces arginine 864 with histidine.
Molecular consequence: missense variant.
Genome position (GRCh38, 1-based): chr16:13,948,187, G>A. VCF-style: chr16-13948187-G-A. GRCh37 (hg19) VCF-style: chr16-14042044-G-A.
Other names: short protein forms R864H.
Identifiers: ClinVar variation 541245 (VCV000541245.8), dbSNP rs1211543560, ClinGen allele CA394824523.

ClinVar aggregate classification (germline): Uncertain significance. Review status: criteria provided, multiple submitters, no conflicts (2 of 4 stars). 2 submissions from 2 submitters: Uncertain significance (2). Last evaluated 2024-01-23.

Conditions:
Xeroderma pigmentosum, group F (XPF). Also called: XERODERMA PIGMENTOSUM VI; XP, GROUP F; XERODERMA PIGMENTOSUM, TYPE F; Xeroderma pigmentosum, type 6; XERODERMA PIGMENTOSUM, COMPLEMENTATION GROUP F; ERCC4-Related Xeroderma Pigmentosum. Identifiers: MedGen C0268140, MONDO:0010215, OMIM 278760.
Cockayne syndrome. Identifiers: Orphanet 191, MedGen C0009207, MONDO:0016006.
Fanconi anemia complementation group Q. Identifiers: Orphanet 84, MedGen C3808988, MONDO:0014108, OMIM 615272.
XFE progeroid syndrome (XFEPS). Also called: XPF-ERCC1 PROGEROID SYNDROME. Identifiers: MedGen C1970416, MONDO:0012590, OMIM 610965.

Allele frequency attached by ClinVar (database versions not stated): gnomAD exomes below 0.00001 and 0.00001; TOPMed 0.00001; gnomAD 0.00003.
gnomAD v4.1: 24 of 1,614,004 alleles (0.0015%); highest among the groups gnomAD compares: East Asian, 0.0045%; no homozygotes.

Submissions (2):

Fulgent Genetics
Classification: Uncertain significance for Xeroderma pigmentosum, group F; XFE progeroid syndrome; Fanconi anemia complementation group Q. Last evaluated: 2024-01-23. Review status: criteria provided, single submitter. Criteria: ACMG Guidelines, 2015. Collection method: clinical testing. Allele origin: germline.

Labcorp Genetics (formerly Invitae), Labcorp
Classification: Uncertain significance for Fanconi anemia complementation group Q; Xeroderma pigmentosum, group F; Cockayne syndrome. Last evaluated: 2017-12-05. Review status: criteria provided, single submitter. Criteria: Invitae Variant Classification Sherloc (09022015). Collection method: clinical testing. Allele origin: germline.
Comment: This sequence change replaces arginine with histidine at codon 864 of the ERCC4 protein (p.Arg864His). The arginine residue is moderately conserved and there is a small physicochemical difference between arginine and histidine. This variant is not present in population databases (ExAC no frequency). This variant has not been reported in the literature in individuals with ERCC4-related disease. Algorithms developed to predict the effect of missense changes on protein structure and function output the following: SIFT: "Tolerated"; PolyPhen-2: "Benign"; Align-GVGD: "Class C0". The histidine amino acid residue is found in multiple mammalian species, suggesting that this missense change does not adversely affect protein function. These predictions have not been confirmed by published functional studies and their clinical significance is uncertain. In summary, the available evidence is currently insufficient to determine the role of this variant in disease. Therefore, it has been classified as a Variant of Uncertain Significance.